The following is an entry in ClinVar:

ClinVar aggregate classification (germline): Uncertain significance (1 of 4 stars; one submission).

Submission:

GeneDx
Classification: Uncertain significance. Last evaluated: 2025-09-23. Review status: criteria provided, single submitter. Criteria: GeneDx Variant Classification Process June 2021. Collection method: clinical testing. Allele origin: germline. Affected: yes.
Comment: Not observed at significant frequency in large population cohorts (gnomAD); In silico analysis suggests that this missense variant does not alter protein structure/function; This substitution is predicted to be within the cytoplasmic loop between the first and second homologous domains; Has not been previously published as pathogenic or benign to our knowledge

NM_001165963.4(SCN1A):c.1990G>C (p.Val664Leu)

Gene: SCN1A (sodium voltage-gated channel alpha subunit 1; minus strand). Cytogenetic location: 2q24.3.
Variant type: single nucleotide variant.
Coding change: c.1990G>C on transcript NM_001165963.4 (MANE Select); coding-DNA position 1990, G replaced by C.
Protein change: p.Val664Leu; replaces valine 664 with leucine.
Molecular consequence: missense variant. On other transcripts: 5 prime UTR variant (1), non-coding transcript variant (1), intron variant (4).
Genome position (GRCh38, 1-based): chr2:166,043,722, C>G on the plus strand (G>C on the coding strand, the complement: SCN1A is on the minus strand). VCF-style: chr2-166043722-C-G. GRCh37 (hg19) VCF-style: chr2-166900232-C-G.
Other names: c.1990G>C, p.Val664Leu (NM_001202435.3, NM_001353948.2, NM_001353949.2 and 4 more transcripts); c.1987G>C, p.Val663Leu (NM_001353954.2, NM_001353955.2); c.-436G>C (NM_001353961.2); c.1959+31G>C (NM_001353958.2, NM_001353957.2, NM_001165964.3); c.1956+31G>C (NM_001353960.2); short protein forms V663L, V664L.
Identifiers: ClinVar variation 3372094 (VCV003372094.2).